The following is an entry in ClinVar:

NM_000181.4(GUSB):c.738C>G (p.Tyr246Ter)

Gene: GUSB (glucuronidase beta; minus strand). Cytogenetic location: 7q11.21.
Variant type: single nucleotide variant.
Coding change: c.738C>G on transcript NM_000181.4 (MANE Select); coding-DNA position 738, C replaced by G.
Protein change: p.Tyr246Ter; replaces tyrosine 246 with a stop codon.
Molecular consequence: nonsense. On other transcripts: non-coding transcript variant (1), intron variant (1).
Genome position (GRCh38, 1-based): chr7:65,976,189, G>C on the plus strand (C>G on the coding strand, the complement: GUSB is on the minus strand). VCF-style: chr7-65976189-G-C. GRCh37 (hg19) VCF-style: chr7-65441176-G-C.
Other names: c.475-1118C>G (NM_001284290.2); c.738C>G (NM_000181.3); c.168C>G, p.Tyr56Ter (NM_001293104.2); c.81C>G, p.Tyr27Ter (NM_001293105.2); short protein forms Y56*, Y246*, Y27*.
Identifiers: ClinVar variation 2045917 (VCV002045917.8), dbSNP rs764866250, ClinGen allele CA4276522.

ClinVar aggregate classification (germline): Pathogenic/Likely pathogenic. Review status: criteria provided, multiple submitters, no conflicts (2 of 4 stars). 5 submissions from 5 submitters: Pathogenic (3); Likely pathogenic (2). Last evaluated 2026-05-12.

Conditions:
GUSB-related disorder. Also called: GUSB-related condition.
Mucopolysaccharidosis type 7 (MPS7). Also called: BETA-GLUCURONIDASE DEFICIENCY; GUSB DEFICIENCY; MPS VII; SLY SYNDROME. Identifiers: Orphanet 584, MedGen C0085132, MONDO:0009662, OMIM 253220.

Allele frequency attached by ClinVar (database versions not stated): ExAC 0.00001; gnomAD 0.00001; TOPMed 0.00003.
gnomAD v4.1: 7 of 1,611,870 alleles (0.00043%); highest among the groups gnomAD compares: Admixed American, 0.01%; no homozygotes.

Submissions (5):

PreventionGenetics, part of Exact Sciences
Classification: Pathogenic for GUSB-related condition. Last evaluated: 2026-05-12. Review status: criteria provided, single submitter. Criteria: ACMG Guidelines, 2015. Collection method: clinical testing. Allele origin: germline.
Comment: The GUSB c.738C>G variant is predicted to result in premature protein termination (p.Tyr246*). To our knowledge this variant has not been previously reported in literature. This variant is reported in 0.0087% of alleles in individuals of Latino descent in gnomAD. Nonsense variants in GUSB are expected to be pathogenic. This variant is interpreted as pathogenic.

Labcorp Genetics (formerly Invitae), Labcorp
Classification: Pathogenic for Mucopolysaccharidosis type 7. Last evaluated: 2026-02-04. Review status: criteria provided, single submitter. Criteria: Invitae Variant Classification Sherloc (09022015). Collection method: clinical testing. Allele origin: germline.
Comment: This sequence change creates a premature translational stop signal (p.Tyr246*) in the GUSB gene. It is expected to result in an absent or disrupted protein product. Loss-of-function variants in GUSB are known to be pathogenic (PMID: 19224584). This variant is present in population databases (rs764866250, gnomAD 0.006%). This variant has not been reported in the literature in individuals affected with GUSB-related conditions. ClinVar contains an entry for this variant (Variation ID: 2045917). For these reasons, this variant has been classified as Pathogenic.

Greenwood Genetic Center Diagnostic Laboratories, Greenwood Genetic Center
Classification: Likely pathogenic for Mucopolysaccharidosis type 7. Last evaluated: 2025-04-04. Review status: criteria provided, single submitter. Criteria: ACMG Guidelines, 2015. Collection method: clinical testing. Allele origin: germline. Affected: yes.
Comment: PVS1, PM2

Women's Health and Genetics/Laboratory Corporation of America, LabCorp
Classification: Pathogenic for Mucopolysaccharidosis type 7. Last evaluated: 2025-03-18. Review status: criteria provided, single submitter. Criteria: LabCorp Variant Classification Summary - May 2015. Collection method: clinical testing. Allele origin: germline.
Comment: Variant summary: GUSB c.738C>G (p.Tyr246X) results in a premature termination codon, predicted to cause a truncation of the encoded protein or absence of the protein due to nonsense mediated decay, which are commonly known mechanisms for disease. The variant allele was found at a frequency of 1.2e-05 in 250414 control chromosomes. To our knowledge, no occurrence of c.738C>G in individuals affected with Mucopolysaccharidosis Type VII (Sly Syndrome) and no experimental evidence demonstrating its impact on protein function have been reported. ClinVar contains an entry for this variant (Variation ID: 2045917). Based on the evidence outlined above, the variant was classified as pathogenic.

Fulgent Genetics
Classification: Likely pathogenic for Mucopolysaccharidosis type 7. Last evaluated: 2024-06-13. Review status: criteria provided, single submitter. Criteria: ACMG Guidelines, 2015. Collection method: clinical testing. Allele origin: germline.

Literature cited by the submitters: PubMed 19224584 (cited by Labcorp Genetics (formerly Invitae), Labcorp).